The following is an entry in ClinVar:

NM_000465.4(BARD1):c.1786_1804del (p.Lys596fs)

Gene: BARD1 (BRCA1 associated RING domain 1; minus strand). Cytogenetic location: 2q35.
Variant type: Deletion.
Coding change: c.1786_1804del on transcript NM_000465.4 (MANE Select); coding-DNA positions 1786 to 1804, 19 bases deleted (AAATATACTGAGTTTGACA).
Protein change: p.Lys596fs; shifts the reading frame from lysine 596.
Molecular consequence: frameshift variant. On other transcripts: non-coding transcript variant (3), intron variant (1).
Genome position (GRCh38, 1-based): chr2:214,745,728-214,745,746, TGTCAAACTCAGTATATTT deleted on the plus strand (AAATATACTGAGTTTGACA on the coding strand, the reverse complement: BARD1 is on the minus strand); deleting any 19 consecutive bases within chr2:214,745,728-214,745,747 gives the same sequence; the c. name uses the placement nearest the transcript's 3' end. VCF-style (leftmost placement, unchanged base first): chr2-214745727-CTGTCAAACTCAGTATATTT-C. GRCh37 (hg19) VCF-style: chr2-215610451-CTGTCAAACTCAGTATATTT-C.
Other names: c.1786_1804del19 (NM_000465.2); c.1729_1747del, p.Lys577fs (NM_001282543.2); c.433_451del, p.Lys145fs (NM_001282545.2); c.376_394del, p.Lys126fs (NM_001282548.2); c.365-15238_365-15220del (NM_001282549.2); short protein forms K596fs, K126fs, K145fs, K577fs.
Identifiers: ClinVar variation 460722 (VCV000460722.9), dbSNP rs1553615102, ClinGen allele CA658657223.

ClinVar aggregate classification (germline): Pathogenic. Review status: criteria provided, multiple submitters, no conflicts (2 of 4 stars). 3 submissions from 3 submitters: Pathogenic (3). Last evaluated 2025-10-01.

Conditions:
Hereditary cancer-predisposing syndrome. Also called: Neoplastic Syndromes, Hereditary; Tumor predisposition; Hereditary Cancer Syndrome; Hereditary neoplastic syndrome. Identifiers: Orphanet 140162, MedGen C0027672, MeSH D009386, MONDO:0015356.
Familial cancer of breast. Also called: BREAST CANCER, FAMILIAL; hereditary breast carcinoma; Hereditary breast cancer. Identifiers: Orphanet 227535, MedGen C0346153, MONDO:0016419, OMIM 114480. Disease mechanism: loss of function.

Submissions (3):

Labcorp Genetics (formerly Invitae), Labcorp
Classification: Pathogenic for Familial cancer of breast. Last evaluated: 2025-10-01. Review status: criteria provided, single submitter. Criteria: Invitae Variant Classification Sherloc (09022015). Collection method: clinical testing. Allele origin: germline.
Comment: This sequence change creates a premature translational stop signal (p.Lys596Valfs*3) in the BARD1 gene. It is expected to result in an absent or disrupted protein product. Loss-of-function variants in BARD1 are known to be pathogenic (PMID: 20077502, 21344236). This variant is not present in population databases (gnomAD no frequency). This variant has not been reported in the literature in individuals affected with BARD1-related conditions. ClinVar contains an entry for this variant (Variation ID: 460722). For these reasons, this variant has been classified as Pathogenic.

Ambry Genetics
Classification: Pathogenic for Hereditary cancer-predisposing syndrome. Last evaluated: 2024-02-02. Review status: criteria provided, single submitter. Criteria: Ambry Variant Classification Scheme 2023. Collection method: clinical testing. Allele origin: germline.
Comment: The c.1786_1804del19 pathogenic mutation, located in coding exon 8 of the BARD1 gene, results from a deletion of 19 nucleotides at nucleotide positions 1786 to 1804, causing a translational frameshift with a predicted alternate stop codon (p.K596Vfs*3). This alteration is expected to result in loss of function by premature protein truncation or nonsense-mediated mRNA decay. As such, this alteration is interpreted as a disease-causing mutation.

Myriad Genetics, Inc.
Classification: Pathogenic for Familial cancer of breast. Last evaluated: 2023-03-07. Review status: criteria provided, single submitter. Criteria: Myriad Autosomal Dominant, Autosomal Recessive and X-Linked Classification Criteria (2023). Collection method: clinical testing. Allele origin: unknown.
Comment: This variant is considered pathogenic. This variant creates a frameshift predicted to result in premature protein truncation.

Literature cited by the submitters: PubMed 20077502 (cited by Labcorp Genetics (formerly Invitae), Labcorp); PubMed 21344236 (cited by Labcorp Genetics (formerly Invitae), Labcorp).